The following is an entry in ClinVar:

ClinVar aggregate classification (germline): Uncertain significance. Review status: criteria provided, multiple submitters, no conflicts (2 of 4 stars). 2 submissions from 2 submitters: Uncertain significance (2). Last evaluated 2025-05-18.

Conditions:
Neuropathy, hereditary sensory and autonomic, type 1A (HSAN1A). Also called: NEUROPATHY, HEREDITARY SENSORY AND AUTONOMIC, TYPE IA; SPTLC1-Related Hereditary Sensory Neuropathy; HSAN IA; HSN IA; NEUROPATHY, HEREDITARY SENSORY RADICULAR, AUTOSOMAL DOMINANT, TYPE 1A. Identifiers: MedGen C5235211, MONDO:0008086, OMIM 162400.
Hereditary sensory and autonomic neuropathy type 1 (HSAN1). Also called: HSAN 1; HSN Type I; Hereditary Sensory Neuropathy Type I. Identifiers: Orphanet 36386, MedGen C0020071, MONDO:0018213.

Allele frequency attached by ClinVar (database versions not stated): gnomAD exomes 0.00001.

Submissions (2):

Labcorp Genetics (formerly Invitae), Labcorp
Classification: Uncertain significance for Hereditary sensory and autonomic neuropathy type 1. Last evaluated: 2025-05-18. Review status: criteria provided, single submitter. Criteria: Invitae Variant Classification Sherloc (09022015). Collection method: clinical testing. Allele origin: germline.
Comment: This sequence change replaces histidine, which is basic and polar, with arginine, which is basic and polar, at codon 24 of the SPTLC1 protein (p.His24Arg). This variant is not present in population databases (gnomAD no frequency). This missense change has been observed in individual(s) with hereditary sensory and autonomic neuropathy (PMID: 38927628). ClinVar contains an entry for this variant (Variation ID: 660001). Invitae Evidence Modeling of protein sequence and biophysical properties (such as structural, functional, and spatial information, amino acid conservation, physicochemical variation, residue mobility, and thermodynamic stability) has been performed for this missense variant. However, the output from this modeling did not meet the statistical confidence thresholds required to predict the impact of this variant on SPTLC1 protein function. In summary, the available evidence is currently insufficient to determine the role of this variant in disease. Therefore, it has been classified as a Variant of Uncertain Significance.

Human Genetics Bochum, Ruhr University Bochum
Classification: Uncertain significance for Neuropathy, hereditary sensory and autonomic, type 1A. Last evaluated: 2023-07-24. Review status: criteria provided, single submitter. Criteria: ACMG Guidelines, 2015. Collection method: clinical testing. Allele origin: germline. Affected: yes.
Comment: ACMG criteria used to clasify this variant: PP3_MOD, PM2_SUP

Literature cited by the submitters: PubMed 38927628 (cited by Labcorp Genetics (formerly Invitae), Labcorp).

NM_006415.4(SPTLC1):c.71A>G (p.His24Arg)

Gene: SPTLC1 (serine palmitoyltransferase long chain base subunit 1; minus strand). Cytogenetic location: 9q22.31.
Variant type: single nucleotide variant.
Coding change: c.71A>G on transcript NM_006415.4 (MANE Select); coding-DNA position 71, A replaced by G.
Protein change: p.His24Arg; replaces histidine 24 with arginine.
Molecular consequence: missense variant. On other transcripts: 5 prime UTR variant (2).
Genome position (GRCh38, 1-based): chr9:92,112,549, T>C on the plus strand (A>G on the coding strand, the complement: SPTLC1 is on the minus strand). VCF-style: chr9-92112549-T-C. GRCh37 (hg19) VCF-style: chr9-94874831-T-C.
Other names: c.71A>G, p.His24Arg (NM_001281303.2, NM_178324.3); c.-429A>G (NM_001368272.1); c.-395A>G (NM_001368273.1); short protein forms H24R.
Identifiers: ClinVar variation 660001 (VCV000660001.11), dbSNP rs1587626442, ClinGen allele CA373795854.